The following is an entry in ClinVar:

ClinVar aggregate classification (germline): Pathogenic (1 of 4 stars; one submission).

Conditions:
Polyglucosan body myopathy type 1 (PGBM1). Also called: POLYGLUCOSAN BODY MYOPATHY WITHOUT IMMUNODEFICIENCY; Polyglucosan body myopathy 1 with or without immunodeficiency. Identifiers: Orphanet 329173, Orphanet 397937, MedGen C4014605, MONDO:0014389, OMIM 615895.

Submission:

Labcorp Genetics (formerly Invitae), Labcorp
Classification: Pathogenic for Polyglucosan body myopathy type 1. Last evaluated: 2024-11-05. Review status: criteria provided, single submitter. Criteria: Invitae Variant Classification Sherloc (09022015). Collection method: clinical testing. Allele origin: germline.
Comment: This sequence change creates a premature translational stop signal (p.Ile313Alafs*30) in the RBCK1 gene. It is expected to result in an absent or disrupted protein product. Loss-of-function variants in RBCK1 are known to be pathogenic (PMID: 2379848, 23104095, 23889995). This variant is not present in population databases (gnomAD no frequency). This variant has not been reported in the literature in individuals affected with RBCK1-related conditions. For these reasons, this variant has been classified as Pathogenic.

Literature cited by the submitters: PubMed 2379848; PubMed 23104095; PubMed 23889995.

NM_031229.4(RBCK1):c.936_945del (p.Ile313fs)

Gene: RBCK1 (RANBP2-type and C3HC4-type zinc finger containing 1; plus strand). Cytogenetic location: 20p13.
Variant type: Deletion.
Coding change: c.936_945del on transcript NM_031229.4 (MANE Select); coding-DNA positions 936 to 945, 10 bases deleted (CATCCGCAAC; older notation c.936_945delCATCCGCAAC).
Protein change: p.Ile313fs; shifts the reading frame from isoleucine 313.
Molecular consequence: frameshift variant. On other transcripts: non-coding transcript variant (1).
Genome position (GRCh38, 1-based): chr20:422,145-422,154, CATCCGCAAC deleted; deleting any 10 consecutive bases within chr20:422,143-422,154 gives the same sequence; the c. name uses the placement nearest the transcript's 3' end. VCF-style (leftmost placement, unchanged base first): chr20-422142-CACCATCCGCA-C. GRCh37 (hg19) VCF-style: chr20-402786-CACCATCCGCA-C.
Other names: c.426_435del, p.Ile143fs (NM_001323956.2, NM_001323958.2); c.987_996del, p.Ile330fs (NM_001410770.1); c.810_819del, p.Ile271fs (NM_006462.6); short protein forms I271fs, I313fs, I143fs, I330fs.
Identifiers: ClinVar variation 3724651 (VCV003724651.2).